The following is an entry in ClinVar:

NM_000245.4(MET):c.3790T>C (p.Ser1264Pro)

Gene: MET (MET proto-oncogene, receptor tyrosine kinase; plus strand). Cytogenetic location: 7q31.2.
Variant type: single nucleotide variant.
Coding change: c.3790T>C on transcript NM_000245.4 (MANE Select); coding-DNA position 3790, T replaced by C.
Protein change: p.Ser1264Pro; replaces serine 1264 with proline.
Molecular consequence: missense variant.
Genome position (GRCh38, 1-based): chr7:116,783,461, T>C. VCF-style: chr7-116783461-T-C. GRCh37 (hg19) VCF-style: chr7-116423515-T-C.
Other names: c.3844T>C, p.Ser1282Pro (NM_001127500.3); c.2500T>C, p.Ser834Pro (NM_001324402.2); short protein forms S1264P, S834P, S1282P.
Identifiers: ClinVar variation 843183 (VCV000843183.9), dbSNP rs1795214265, ClinGen allele CA368992050.
Genomic context (GRCh38, chr7:116,783,461, plus strand): 5'-AAGCTGCCAGTGAAGTGGATGGCTTTGGAAAGTCTGCAAACTCAAAAGTTTACCACCAAG[T>C]CAGATGTGGTAATGTATTGGTTATCTCTGAGTTTCTCCTCTTTTACTTTCATATCCAACT-3'
Protein context (NP_000236.2, residues 1254-1274): SLQTQKFTTK[Ser1264Pro]DVWSFGVLLW

ClinVar aggregate classification (germline): Uncertain significance (1 of 4 stars; one submission).

Conditions:
Renal cell carcinoma. Identifiers: Orphanet 217071, MedGen C0007134, MeSH D002292, MONDO:0005086, HP:0005584.

Submission:

Labcorp Genetics (formerly Invitae), Labcorp
Classification: Uncertain significance for Renal cell carcinoma. Last evaluated: 2019-02-06. Review status: criteria provided, single submitter. Criteria: Invitae Variant Classification Sherloc (09022015). Collection method: clinical testing. Allele origin: germline.
Comment: In summary, the available evidence is currently insufficient to determine the role of this variant in disease. Therefore, it has been classified as a Variant of Uncertain Significance. Algorithms developed to predict the effect of missense changes on protein structure and function are either unavailable or do not agree on the potential impact of this missense change (SIFT: "Deleterious"; PolyPhen-2: "Probably Damaging"; Align-GVGD: "Class C0"). This variant has not been reported in the literature in individuals with MET-related conditions. This variant is not present in population databases (ExAC no frequency). This sequence change replaces serine with proline at codon 1282 of the MET protein (p.Ser1282Pro). The serine residue is highly conserved and there is a moderate physicochemical difference between serine and proline.